The following is an entry in ClinVar:

NM_000057.4(BLM):c.1642C>T (p.Gln548Ter)

Gene: BLM (BLM RecQ like helicase; plus strand). Cytogenetic location: 15q26.1.
Variant type: single nucleotide variant.
Coding change: c.1642C>T on transcript NM_000057.4 (MANE Select); coding-DNA position 1642, C replaced by T.
Protein change: p.Gln548Ter; replaces glutamine 548 with a stop codon.
Molecular consequence: nonsense.
Genome position (GRCh38, 1-based): chr15:90,761,015, C>T. VCF-style: chr15-90761015-C-T. GRCh37 (hg19) VCF-style: chr15-91304245-C-T.
Other names: p.Q548*:CAA>TAA; c.1642C>T, p.Gln548Ter (NM_001287246.2, NM_001287247.2); c.517C>T, p.Gln173Ter (NM_001287248.2); short protein forms Q548*, Q173*.
Identifiers: ClinVar variation 127478 (VCV000127478.102), dbSNP rs200389141, ClinGen allele CA270826.

ClinVar aggregate classification (germline): Pathogenic. Review status: criteria provided, multiple submitters, no conflicts (2 of 4 stars). 35 submissions from 35 submitters: Pathogenic (28). 7 of the submissions do not count toward it. Last evaluated 2026-07-08.

Conditions:
BLM-related disorder. Also called: BLM-related condition.
Hereditary cancer-predisposing syndrome. Also called: Neoplastic Syndromes, Hereditary; Hereditary Cancer Syndrome; Tumor predisposition; Hereditary neoplastic syndrome. Identifiers: Orphanet 140162, MedGen C0027672, MeSH D009386, MONDO:0015356.
Colorectal cancer. Also called: Colorectal cancer, somatic; Malignant Colorectal Neoplasm. Identifiers: MedGen C0346629, MONDO:0005575, OMIM 114500.
Bloom syndrome (BLM). Also called: Bloom-Torre-Machacek syndrome. Identifiers: Orphanet 125, MedGen C0005859, MONDO:0008876, OMIM 210900.

Allele frequency attached by ClinVar (database versions not stated): TOPMed 0.00011; ESP Exome Variant Server 0.00015; gnomAD 0.00017; ExAC 0.00018.
gnomAD v4.1: 233 of 1,606,372 alleles (0.015%); highest among the groups gnomAD compares: Non-Finnish European, 0.019%; no homozygotes.

Submissions 1 to 14 of 35:

PreventionGenetics, part of Exact Sciences
Classification: Pathogenic for BLM-related condition. Last evaluated: 2026-07-08. Review status: criteria provided, single submitter. Criteria: ACMG Guidelines, 2015. Collection method: clinical testing. Allele origin: germline.
Comment: The BLM c.1642C>T variant is predicted to result in premature protein termination (p.Gln548*). This variant has been reported in multiple individuals with Bloom syndrome (German et al. 2007. PubMed ID: 17407155; Suspitsin et al. 2017. PubMed ID: 28611551). It has been reported as a common founder variant in Slavic populations (Sokolenko et al. 2012. PubMed ID: 21815139; Prokofyeva et al. 2013. PubMed ID: 23225144). This variant is reported in 0.034% of alleles in individuals of European (non-Finnish) descent in gnomAD and is interpreted as pathogenic in ClinVar (Variation ID: 127478/). Nonsense variants in BLM are expected to be pathogenic. This variant is interpreted as pathogenic.

CeGaT Center for Human Genetics Tuebingen
Classification: Pathogenic. Last evaluated: 2026-05-01. Review status: criteria provided, single submitter. Criteria: CeGaT Center For Human Genetics Tuebingen Variant Classification Criteria Version 2. Collection method: clinical testing. Allele origin: germline. Affected: yes. Observed: 13 variant alleles.
Comment: BLM: PVS1, PM3:Strong, PM2:Supporting

Labcorp Genetics (formerly Invitae), Labcorp
Classification: Pathogenic for Bloom syndrome. Last evaluated: 2026-01-31. Review status: criteria provided, single submitter. Criteria: Invitae Variant Classification Sherloc (09022015). Collection method: clinical testing. Allele origin: germline.
Comment: This sequence change creates a premature translational stop signal (p.Gln548*) in the BLM gene. It is expected to result in an absent or disrupted protein product. Loss-of-function variants in BLM are known to be pathogenic (PMID: 17407155). This variant is present in population databases (rs200389141, gnomAD 0.03%). This premature translational stop signal has been observed in individual(s) with Bloom syndrome, breast cancer, colorectal cancer, and/or prostate cancer (PMID: 17407155, 23225144, 23552953, 24096176, 25399228, 26358404). It is commonly reported in individuals of Slavic ancestry (PMID: 23225144, 24096176). ClinVar contains an entry for this variant (Variation ID: 127478). RNA analysis performed to evaluate the impact of this premature translational stop signal on mRNA splicing indicates it does not significantly alter splicing (internal data). For these reasons, this variant has been classified as Pathogenic.

Natera, Inc.
Classification: Pathogenic for Bloom syndrome. Last evaluated: 2025-09-19. Review status: criteria provided, single submitter. Criteria: Natera Variant Classification Schema (03/2026). Collection method: clinical testing. Allele origin: germline.
Comment: The c.1642C>T variant in BLM is a nonsense variant predicted to introduce a stop codon at amino acid 548. This variant is expected to result in nonsense mediated decay, truncation, or a dysfunctional protein product. This variant is rare in the general population with a frequency below the threshold expected for the associated phenotype(s). This variant has been observed in one or more individuals affected with the associated recessive disease, as either homozygous or compound heterozygous with a second variant (PMID: 28611551). Given the available evidence, this variant is classified as Pathogenic.

Dasa
Classification: Pathogenic. Last evaluated: 2025-05-08. Review status: criteria provided, single submitter. Criteria: DASA Assertion Criteria. Collection method: clinical testing. Allele origin: germline.
Comment: NM_000057.4(BLM):c.1642C>T (p.Gln548Ter) introduces a premature termination codon predicted to result in loss of normal protein function. Loss-of-function is an established mechanism of disease for this gene. This variant has been observed in affected individuals with related phenotype in a genotype context consistent with recessive disease (PMID: 28611551; PMID: 26340805; PMID: 17407155; PMID: 23552953; PMID: 23225144). This variant has been recurrently observed in individuals with related phenotype (PMID: 28611551; PMID: 26340805; PMID: 17407155; PMID: 23552953; PMID: 23225144). The variant is present at low frequency in population datasets. Based on the available data, this variant is classified as pathogenic.

Laboratory of Genetics, Children's Clinical University Hospital Latvia
Classification: Pathogenic. Last evaluated: 2025-02-16. Review status: criteria provided, single submitter. Criteria: ACMG Guidelines, 2015. Collection method: clinical testing. Allele origin: germline. Affected: yes.

Institute of Human Genetics, University of Leipzig Medical Center
Classification: Pathogenic for Bloom syndrome. Last evaluated: 2024-11-18. Review status: criteria provided, single submitter. Criteria: ACMG Guidelines, 2015. Collection method: clinical testing. Allele origin: unknown. Inheritance: Autosomal recessive inheritance. Affected: yes.
Comment: Criteria applied: PVS1,PM3_VSTR

Blueprint Genetics
Classification: Pathogenic for BLM-related disorders. Last evaluated: 2024-10-25. Review status: criteria provided, single submitter. Criteria: ACMG Guidelines, 2015. Collection method: clinical testing. Allele origin: germline. Affected: yes. Observed: 5 variant alleles.

St. Jude Molecular Pathology, St. Jude Children's Research Hospital
Classification: Pathogenic for Bloom syndrome. Last evaluated: 2024-10-10. Review status: criteria provided, single submitter. Criteria: St. Jude Assertion Criteria 2020. Collection method: clinical testing. Allele origin: germline.
Comment: The BLM c.1642C>T (p.Gln548Ter) change is a nonsense variant that is predicted to cause premature protein truncation and loss of normal protein function. This change is predicted to cause protein truncation or absence of the protein due to nonsense-mediated decay. Loss of function variants in BLM are known to be pathogenic (PMID: 28232778). This variant has a maximum subpopulation frequency of 0.034% in gnomAD v2.1.1. This variant has been reported in the homozygous and compound heterozygous state in individuals with Bloom syndrome (PMID: 17407155, 23552953, 26340805, 28611551, 33219493). Studies on breast, ovarian, and prostate cancer patients (PMID: 21815139, 24096176, 25182961, 25399228) have identified this variant in the heterozygous state in both cases and controls. In summary, this variant meets criteria to be classified as pathogenic.

Ambry Genetics
Classification: Pathogenic for Hereditary cancer-predisposing syndrome. Last evaluated: 2024-08-30. Review status: criteria provided, single submitter. Criteria: Ambry Variant Classification Scheme 2023. Collection method: clinical testing. Allele origin: germline.
Comment: The p.Q548* pathogenic mutation (also known as c.1642C>T), located in coding exon 6 of the BLM gene, results from a C to T substitution at nucleotide position 1642. This changes the amino acid from a glutamine to a stop codon within coding exon 6. This mutation has been identified in the homozygous and compound heterozygous state with another pathogenic BLM mutation in multiple individuals with Bloom syndrome (German J et al. Hum. Mutat. 2007 Aug;28:743-53; Classen CF et al. Hum. Genet. 2013 Jul;132:825-41; Suspitsin EN et al. Mol Syndromol 2017 Mar;8(2):103-106). It has also been identified in the heterozygous state in individuals with breast cancer, prostate cancer, and colorectal cancer and is considered a possible Slavic founder mutation (Sokolenko AP et al. Int. J. Cancer. 2012 Jun;130:2867-73; Prokofyeva D et al. Breast Cancer Res. Treat. 2013 Jan;137:533-9; Lhota F et al. Clin. Genet. 2016 Oct;90:324-33; Maxwell KN et al. Am. J. Hum. Genet. 2016 May;98:801-17; deVoer RM et al. Sci Rep 2015 Sep;5:14060; Antczak A et al. Gene 2013 Dec;532(2):173-6). One case-control study in Poland identified this mutation in 82/14804 unselected breast cancer cases and 26/4698 cancer-free women (Kluzniak W et al. Cancers (Basel) 2019 Oct;11(10)). In addition to the clinical data presented in the literature, this alteration is expected to result in loss of function by premature protein truncation or nonsense-mediated mRNA decay. As such, this alteration is interpreted as a disease-causing mutation.

Fulgent Genetics
Classification: Pathogenic for Bloom syndrome. Last evaluated: 2024-05-09. Review status: criteria provided, single submitter. Criteria: ACMG Guidelines, 2015. Collection method: clinical testing. Allele origin: germline.

Baylor Genetics
Classification: Pathogenic for Bloom syndrome. Last evaluated: 2024-03-25. Review status: criteria provided, single submitter. Criteria: ACMG Guidelines, 2015. Collection method: clinical testing. Allele origin: unknown.

Laboratory of Medical Genetics, National & Kapodistrian University of Athens
Classification: Pathogenic for Bloom syndrome. Last evaluated: 2024-02-01. Review status: criteria provided, single submitter. Criteria: ACMG Guidelines, 2015. Collection method: curation. Allele origin: germline. Affected: no.

Department of Pathology and Laboratory Medicine, Sinai Health System
Classification: Pathogenic for colorectal cancer. Last evaluated: 2023-04-03. Review status: criteria provided, single submitter. Criteria: ACMG Guidelines, 2015. Collection method: research. Allele origin: germline.